The following is an entry in ClinVar:

ClinVar aggregate classification (germline): Uncertain significance (1 of 4 stars; one submission).

Conditions:
Cardiovascular phenotype. Identifiers: MedGen CN230736.

Submission:

Ambry Genetics
Classification: Uncertain significance for Cardiovascular phenotype. Last evaluated: 2023-03-05. Review status: criteria provided, single submitter. Criteria: Ambry Variant Classification Scheme 2023. Collection method: clinical testing. Allele origin: germline.
Comment: The p.P2887R variant (also known as c.8660C>G), located in coding exon 34 of the AKAP9 gene, results from a C to G substitution at nucleotide position 8660. The proline at codon 2887 is replaced by arginine, an amino acid with dissimilar properties. This amino acid position is conserved. In addition, this alteration is predicted to be tolerated by in silico analysis. Since supporting evidence is limited at this time, the clinical significance of this alteration remains unclear.

NM_005751.5(AKAP9):c.8660C>G (p.Pro2887Arg)

Gene: AKAP9 (A-kinase anchoring protein 9; plus strand). Cytogenetic location: 7q21.2.
Variant type: single nucleotide variant.
Coding change: c.8660C>G on transcript NM_005751.5 (MANE Select); coding-DNA position 8660, C replaced by G.
Protein change: p.Pro2887Arg; replaces proline 2887 with arginine.
Molecular consequence: missense variant.
Genome position (GRCh38, 1-based): chr7:92,084,653, C>G. VCF-style: chr7-92084653-C-G. GRCh37 (hg19) VCF-style: chr7-91713967-C-G.
Other names: c.3305C>G, p.Pro1102Arg (NM_001379277.1); c.8636C>G, p.Pro2879Arg (NM_147185.3); short protein forms P1102R, P2879R, P2887R.
Identifiers: ClinVar variation 2449799 (VCV002449799.2), dbSNP rs2535263663, ClinGen allele CA368140706.